The following is an entry in ClinVar:

NM_001365999.1(SZT2):c.4424T>C (p.Val1475Ala)

Gene: SZT2 (SZT2 subunit of KICSTOR complex; plus strand). Cytogenetic location: 1p34.2.
Variant type: single nucleotide variant.
Coding change: c.4424T>C on transcript NM_001365999.1 (MANE Select); coding-DNA position 4424, T replaced by C.
Protein change: p.Val1475Ala; replaces valine 1475 with alanine.
Molecular consequence: missense variant.
Genome position (GRCh38, 1-based): chr1:43,430,333, T>C. VCF-style: chr1-43430333-T-C. GRCh37 (hg19) VCF-style: chr1-43896004-T-C.
Other names: c.4253T>C, p.Val1418Ala (NM_015284.4); short protein forms V1418A, V1475A.
Identifiers: ClinVar variation 946766 (VCV000946766.9), dbSNP rs1190209182, ClinGen allele CA340021248.
Genomic context (GRCh38, chr1:43,430,333, plus strand): 5'-ATTCTTGCCTCATCATCTTGCTTCATTCTTTTGCCTAGGATGAGGGGCCTCGGGACACAG[T>C]AGACAGAAAAATCAGTGACCTGGAGTTTTCAGAGGCTGAGCTTATGGGAGAAGAAGGTAT-3'
Protein context (NP_001352928.1, residues 1465-1485): RREDEGPRDT[Val1475Ala]DRKISDLEFS

ClinVar aggregate classification (germline): Uncertain significance (1 of 4 stars; one submission).

Allele frequency attached by ClinVar (database versions not stated): gnomAD exomes below 0.00001; TOPMed below 0.00001; gnomAD 0.00001.
gnomAD v4.1: 5 of 1,612,524 alleles (0.00031%); highest among the groups gnomAD compares: Non-Finnish European, 0.00042%; no homozygotes.

Submission:

Labcorp Genetics (formerly Invitae), Labcorp
Classification: Uncertain significance. Last evaluated: 2022-06-22. Review status: criteria provided, single submitter. Criteria: Invitae Variant Classification Sherloc (09022015). Collection method: clinical testing. Allele origin: germline.
Comment: In summary, the available evidence is currently insufficient to determine the role of this variant in disease. Therefore, it has been classified as a Variant of Uncertain Significance. Algorithms developed to predict the effect of missense changes on protein structure and function output the following: SIFT: "Tolerated"; PolyPhen-2: "Benign"; Align-GVGD: "Class C0". The alanine amino acid residue is found in multiple mammalian species, which suggests that this missense change does not adversely affect protein function. ClinVar contains an entry for this variant (Variation ID: 946766). This variant has not been reported in the literature in individuals affected with SZT2-related conditions. This variant is not present in population databases (gnomAD no frequency). This sequence change replaces valine, which is neutral and non-polar, with alanine, which is neutral and non-polar, at codon 1418 of the SZT2 protein (p.Val1418Ala).